The following is an entry in ClinVar:

NM_006218.4(PIK3CA):c.1158G>C (p.Trp386Cys)

Gene: PIK3CA (phosphatidylinositol-4,5-bisphosphate 3-kinase catalytic subunit alpha; plus strand). Cytogenetic location: 3q26.32.
Variant type: single nucleotide variant.
Coding change: c.1158G>C on transcript NM_006218.4 (MANE Select); coding-DNA position 1158, G replaced by C.
Protein change: p.Trp386Cys; replaces tryptophan 386 with cysteine.
Molecular consequence: missense variant.
Genome position (GRCh38, 1-based): chr3:179,209,607, G>C. VCF-style: chr3-179209607-G-C. GRCh37 (hg19) VCF-style: chr3-178927395-G-C.
Other names: short protein forms W386C.
Identifiers: ClinVar variation 3932386 (VCV003932386.1).

ClinVar aggregate classification (germline): Uncertain significance (1 of 4 stars; one submission).

Conditions:
Inborn genetic diseases. Identifiers: MedGen C0950123, MeSH D030342.

Submission:

Ambry Genetics
Classification: Uncertain significance for Inborn genetic diseases. Last evaluated: 2025-03-24. Review status: criteria provided, single submitter. Criteria: Ambry Variant Classification Scheme 2023. Collection method: clinical testing. Allele origin: germline.
Comment: The p.W386C variant (also known as c.1158G>C), located in coding exon 6 of the PIK3CA gene, results from a G to C substitution at nucleotide position 1158. The tryptophan at codon 386 is replaced by cysteine, an amino acid with highly dissimilar properties. This amino acid position is conserved. In addition, this alteration is predicted to be deleterious by in silico analysis. Based on the available evidence, the clinical significance of this variant remains unclear.